The following is an entry in ClinVar:

NM_001080.3(ALDH5A1):c.881A>C (p.His294Pro)

Gene: ALDH5A1 (aldehyde dehydrogenase 5 family member A1; plus strand). Cytogenetic location: 6p22.3.
Variant type: single nucleotide variant.
Coding change: c.881A>C on transcript NM_001080.3 (MANE Select); coding-DNA position 881, A replaced by C.
Protein change: p.His294Pro; replaces histidine 294 with proline.
Molecular consequence: missense variant.
Genome position (GRCh38, 1-based): chr6:24,520,411, A>C. VCF-style: chr6-24520411-A-C. GRCh37 (hg19) VCF-style: chr6-24520639-A-C.
Other names: c.737A>C, p.His246Pro (NM_001368954.1); c.920A>C, p.His307Pro (NM_170740.1); short protein forms H246P, H294P, H307P.
Identifiers: ClinVar variation 933545 (VCV000933545.10), dbSNP rs771163119, ClinGen allele CA3656786.
Genomic context (GRCh38, chr6:24,520,411, plus strand): 5'-ATCCTGGTAATGGATTTCTGTGCTCACAGCTTTCTCTCCTCTGCTCACAGATCCTGTTGC[A>C]CCACGCAGCAAACTCTGTGAAAAGGGTCTCTATGGAGCTGGGCGGCCTTGCTCCATTTAT-3'
Protein context (NP_001071.1, residues 284-304): GSTTTGKILL[His294Pro]HAANSVKRVS

ClinVar aggregate classification (germline): Uncertain significance. Review status: criteria provided, multiple submitters, no conflicts (2 of 4 stars). 3 submissions from 3 submitters: Uncertain significance (3). Last evaluated 2025-06-18.

Conditions:
Inborn genetic diseases. Identifiers: MedGen C0950123, MeSH D030342.
Succinate-semialdehyde dehydrogenase deficiency (SSADHD). Also called: SSADH DEFICIENCY; GABA METABOLIC DEFECT; 4-HYDROXYBUTYRIC ACIDURIA; Succinic Semialdehyde Dehydrogenase Deficiency. Identifiers: Orphanet 22, MedGen C0268631, MONDO:0010083, OMIM 271980.

Allele frequency attached by ClinVar (database versions not stated): gnomAD exomes below 0.00001; ExAC 0.00001; TOPMed 0.00001.
gnomAD v4.1: 9 of 1,614,092 alleles (0.00056%); highest among the groups gnomAD compares: Non-Finnish European, 0.00076%; no homozygotes.

Submissions (3):

Ambry Genetics
Classification: Uncertain significance for Inborn genetic diseases. Last evaluated: 2025-06-18. Review status: criteria provided, single submitter. Criteria: Ambry Variant Classification Scheme 2023. Collection method: clinical testing. Allele origin: germline.

Blueprint Genetics
Classification: Uncertain significance. Last evaluated: 2024-11-06. Review status: criteria provided, single submitter. Criteria: ACMG Guidelines, 2015. Collection method: clinical testing. Allele origin: germline.

Labcorp Genetics (formerly Invitae), Labcorp
Classification: Uncertain significance for Succinate-semialdehyde dehydrogenase deficiency. Last evaluated: 2019-05-20. Review status: criteria provided, single submitter. Criteria: Invitae Variant Classification Sherloc (09022015). Collection method: clinical testing. Allele origin: germline.
Comment: In summary, the available evidence is currently insufficient to determine the role of this variant in disease. Therefore, it has been classified as a Variant of Uncertain Significance. Algorithms developed to predict the effect of missense changes on protein structure and function (SIFT, PolyPhen-2, Align-GVGD) all suggest that this variant is likely to be tolerated, but these predictions have not been confirmed by published functional studies and their clinical significance is uncertain. This variant has not been reported in the literature in individuals with ALDH5A1-related conditions. The frequency data for this variant in the population databases is considered unreliable, as metrics indicate poor data quality at this position in the ExAC database. This sequence change replaces histidine with proline at codon 294 of the ALDH5A1 protein (p.His294Pro). The histidine residue is moderately conserved and there is a moderate physicochemical difference between histidine and proline.